The following is an entry in ClinVar:

ClinVar aggregate classification (germline): Pathogenic/Likely pathogenic. Review status: criteria provided, multiple submitters, no conflicts (2 of 4 stars). 2 submissions from 2 submitters: Pathogenic (1); Likely pathogenic (1). Last evaluated 2024-02-20.

Conditions:
CTNNA1-related diffuse gastric and lobular breast cancer syndrome. Identifiers: MedGen CN324029, MONDO:0100256.

Submissions (2):

Institute for Genomic Medicine (IGM) Clinical Laboratory, Nationwide Children's Hospital
Classification: Likely pathogenic for CTNNA1-related diffuse gastric and lobular breast cancer syndrome. Last evaluated: 2024-02-20. Review status: criteria provided, single submitter. Criteria: ACMG Guidelines, 2015. Collection method: clinical testing. Allele origin: germline.
Comment: This variant is predicted to result in loss of function through nonsense-mediated decay of the encoded transcript or premature truncation of the encoded protein in a gene in which loss of function is a known mechanism of disease (ACMG/AMP: PVS1; PMIDs:32051609, 29330337, 33326660, 26182300, 23208944, 34425242, 30515673, 29025585, 36038258, 37686589). This variant is absent from or present at an exceedingly low frequency in gnomAD, a large-scale control population database (ACMG/AMP: PM2).

Labcorp Genetics (formerly Invitae), Labcorp
Classification: Pathogenic. Last evaluated: 2024-02-06. Review status: criteria provided, single submitter. Criteria: Invitae Variant Classification Sherloc (09022015). Collection method: clinical testing. Allele origin: germline.
Comment: This sequence change creates a premature translational stop signal (p.Gln531Profs*34) in the CTNNA1 gene. It is expected to result in an absent or disrupted protein product. Loss-of-function variants in CTNNA1 are known to be pathogenic (PMID: 32051609, 34425242). This variant is not present in population databases (gnomAD no frequency). This variant has not been reported in the literature in individuals affected with CTNNA1-related conditions. For these reasons, this variant has been classified as Pathogenic.

Literature cited by the submitters: PubMed 32051609 (cited by Institute for Genomic Medicine (IGM) Clinical Laboratory, Nationwide Children's Hospital and Labcorp Genetics (formerly Invitae), Labcorp); PubMed 29330337 (cited by Institute for Genomic Medicine (IGM) Clinical Laboratory, Nationwide Children's Hospital); PubMed 33326660 (cited by Institute for Genomic Medicine (IGM) Clinical Laboratory, Nationwide Children's Hospital); PubMed 26182300 (cited by Institute for Genomic Medicine (IGM) Clinical Laboratory, Nationwide Children's Hospital); PubMed 23208944 (cited by Institute for Genomic Medicine (IGM) Clinical Laboratory, Nationwide Children's Hospital); PubMed 34425242 (cited by Institute for Genomic Medicine (IGM) Clinical Laboratory, Nationwide Children's Hospital and Labcorp Genetics (formerly Invitae), Labcorp); PubMed 30515673 (cited by Institute for Genomic Medicine (IGM) Clinical Laboratory, Nationwide Children's Hospital); PubMed 29025585 (cited by Institute for Genomic Medicine (IGM) Clinical Laboratory, Nationwide Children's Hospital); PubMed 36038258 (cited by Institute for Genomic Medicine (IGM) Clinical Laboratory, Nationwide Children's Hospital); PubMed 37686589 (cited by Institute for Genomic Medicine (IGM) Clinical Laboratory, Nationwide Children's Hospital).

NM_001903.5(CTNNA1):c.1589_1590insA (p.Gln531fs)

Gene: CTNNA1 (catenin alpha 1; plus strand). Cytogenetic location: 5q31.2.
Variant type: Insertion.
Coding change: c.1589_1590insA on transcript NM_001903.5 (MANE Select); coding-DNA positions 1589 to 1590, A inserted.
Protein change: p.Gln531fs; shifts the reading frame from glutamine 531.
Molecular consequence: frameshift variant.
Genome position: GRCh38 VCF-style: chr5-138924552-T-TA. GRCh37 (hg19) VCF-style: chr5-138260241-T-TA.
Other names: c.1589_1590insA, p.Gln531fs (NM_001290307.3, NM_001323982.2, NM_001323983.1 and 2 more transcripts); c.1280_1281insA, p.Gln428fs (NM_001290309.3); c.1220_1221insA, p.Gln408fs (NM_001290310.3); c.479_480insA, p.Gln161fs (NM_001290312.1, NM_001323987.1, NM_001323988.1 and 17 more transcripts); c.1496_1497insA, p.Gln500fs (NM_001323986.2); c.140_141insA, p.Gln48fs (NM_001324006.1, NM_001324007.1, NM_001324008.1 and 2 more transcripts); c.386_387insA, p.Gln130fs (NM_001324011.1); c.236_237insA, p.Gln80fs (NM_001324012.1, NM_001324013.1); short protein forms Q161fs, Q500fs, Q531fs, Q80fs, Q408fs, Q130fs, Q428fs, Q48fs.
Identifiers: ClinVar variation 3639231 (VCV003639231.3).